The following is an entry in ClinVar:

NM_013328.4(PYCR2):c.309del (p.Val104fs)

Gene: PYCR2 (pyrroline-5-carboxylate reductase 2; minus strand). Cytogenetic location: 1q42.12.
Variant type: Deletion.
Coding change: c.309del on transcript NM_013328.4 (MANE Select); coding-DNA position 309, one base deleted (T; older notation c.309delT).
Protein change: p.Val104fs; shifts the reading frame from valine 104.
Molecular consequence: frameshift variant.
Genome position (GRCh38, 1-based): chr1:225,922,213, A deleted on the plus strand (T on the coding strand, the reverse complement: PYCR2 is on the minus strand). VCF-style (leftmost placement, unchanged base first): chr1-225922212-CA-C. GRCh37 (hg19) VCF-style: chr1-226109912-CA-C.
Other names: c.309del, p.Val104fs (NM_001271681.2); short protein forms V104fs.
Identifiers: ClinVar variation 1357942 (VCV001357942.9), dbSNP rs2102672892, ClinGen allele CA423730692.

ClinVar aggregate classification (germline): Pathogenic/Likely pathogenic. Review status: criteria provided, multiple submitters, no conflicts (2 of 4 stars). 4 submissions from 4 submitters: Pathogenic (2); Likely pathogenic (2). Last evaluated 2025-06-22.

Conditions:
PYCR2-related disorder. Also called: PYCR2-related condition.
Leukodystrophy, hypomyelinating, 10. Also called: PYCR2-related microcephaly-progressive leukoencephalopathy. Identifiers: Orphanet 481152, MedGen C4225332, MONDO:0014632, OMIM 616420.

Allele frequency attached by ClinVar (database versions not stated): gnomAD exomes 0.00001.

Submissions (4):

Labcorp Genetics (formerly Invitae), Labcorp
Classification: Pathogenic. Last evaluated: 2025-06-22. Review status: criteria provided, single submitter. Criteria: Invitae Variant Classification Sherloc (09022015). Collection method: clinical testing. Allele origin: germline.
Comment: This sequence change creates a premature translational stop signal (p.Val104Trpfs*5) in the PYCR2 gene. It is expected to result in an absent or disrupted protein product. Loss-of-function variants in PYCR2 are known to be pathogenic (PMID: 25865492, 27860360). This variant is not present in population databases (gnomAD no frequency). This variant has not been reported in the literature in individuals affected with PYCR2-related conditions. ClinVar contains an entry for this variant (Variation ID: 1357942). For these reasons, this variant has been classified as Pathogenic.

3billion
Classification: Pathogenic for Leukodystrophy, hypomyelinating, 10. Last evaluated: 2025-03-22. Review status: criteria provided, single submitter. Criteria: ACMG Guidelines, 2015. Collection method: clinical testing. Allele origin: germline. Affected: yes.
Comment: The variant is observed at an extremely low frequency in the gnomAD v4.1.0 dataset (total allele frequency: <0.001%). Predicted Consequence/Location :

Blueprint Genetics
Classification: Likely pathogenic for PYCR2-related disorders. Last evaluated: 2023-07-17. Review status: criteria provided, single submitter. Criteria: ACMG Guidelines, 2015. Collection method: clinical testing. Allele origin: germline. Affected: yes. Observed: 2 variant alleles.

Fulgent Genetics
Classification: Likely pathogenic for Leukodystrophy, hypomyelinating, 10. Last evaluated: 2021-07-22. Review status: criteria provided, single submitter. Criteria: ACMG Guidelines, 2015. Collection method: clinical testing. Allele origin: unknown.

Literature cited by the submitters: PubMed 25865492 (cited by Labcorp Genetics (formerly Invitae), Labcorp); PubMed 27860360 (cited by Labcorp Genetics (formerly Invitae), Labcorp).